The following is an entry in ClinVar:

NM_006019.4(TCIRG1):c.391G>A (p.Val131Met)

Gene: TCIRG1 (T cell immune regulator 1, ATPase H+ transporting V0 subunit a3; plus strand). Cytogenetic location: 11q13.2.
Variant type: single nucleotide variant.
Coding change: c.391G>A on transcript NM_006019.4 (MANE Select); coding-DNA position 391, G replaced by A.
Protein change: p.Val131Met; replaces valine 131 with methionine.
Molecular consequence: missense variant. On other transcripts: 5 prime UTR variant (1).
Genome position (GRCh38, 1-based): chr11:68,042,837, G>A. VCF-style: chr11-68042837-G-A. GRCh37 (hg19) VCF-style: chr11-67810304-G-A.
Other names: c.-859G>A (NM_001351059.2); short protein forms V131M.
Identifiers: ClinVar variation 552138 (VCV000552138.4), dbSNP rs377377656, ClinGen allele CA224203046.

ClinVar aggregate classification (germline): Uncertain significance. Review status: criteria provided, multiple submitters, no conflicts (2 of 4 stars). 3 submissions from 3 submitters: Uncertain significance (2). 1 of the submissions does not count toward it. Last evaluated 2025-09-09.

Conditions:
Autosomal recessive osteopetrosis 1. Also called: TCIRG1-Related Autosomal Recessive Osteopetrosis; TCIRG1-Related Osteopetrosis; ALBERS-SCHONBERG DISEASE, AUTOSOMAL RECESSIVE. Identifiers: Orphanet 667, MedGen C1850127, MONDO:0009815, OMIM 259700.

Allele frequency attached by ClinVar (database versions not stated): gnomAD 0.00003 and 0.00004; gnomAD exomes 0.00003; TOPMed 0.00006; ESP Exome Variant Server 0.00009.
gnomAD v4.1: 14 of 1,548,988 alleles (0.0009%); highest among the groups gnomAD compares: African/African-American, 0.0082%; no homozygotes.

Submissions (3):

Labcorp Genetics (formerly Invitae), Labcorp
Classification: Uncertain significance. Last evaluated: 2025-09-09. Review status: criteria provided, single submitter. Criteria: Invitae Variant Classification Sherloc (09022015). Collection method: clinical testing. Allele origin: germline.
Comment: This sequence change replaces valine, which is neutral and non-polar, with methionine, which is neutral and non-polar, at codon 131 of the TCIRG1 protein (p.Val131Met). The frequency data for this variant in the population databases is considered unreliable, as metrics indicate poor data quality at this position in the gnomAD database. This variant has not been reported in the literature in individuals affected with TCIRG1-related conditions. ClinVar contains an entry for this variant (Variation ID: 552138). Invitae Evidence Modeling of protein sequence and biophysical properties (such as structural, functional, and spatial information, amino acid conservation, physicochemical variation, residue mobility, and thermodynamic stability) indicates that this missense variant is not expected to disrupt TCIRG1 protein function with a negative predictive value of 80%. In summary, the available evidence is currently insufficient to determine the role of this variant in disease. Therefore, it has been classified as a Variant of Uncertain Significance.

Women's Health and Genetics/Laboratory Corporation of America, LabCorp
Classification: Uncertain significance. Last evaluated: 2023-12-14. Review status: criteria provided, single submitter. Criteria: LabCorp Variant Classification Summary - May 2015. Collection method: clinical testing. Allele origin: germline.
Comment: Variant summary: TCIRG1 c.391G>A (p.Val131Met) results in a conservative amino acid change in the encoded protein sequence. Three of five in-silico tools predict a damaging effect of the variant on protein function. The variant allele was found at a frequency of 2.7e-05 in 148978 control chromosomes. The available data on variant occurrences in the general population are insufficient to allow any conclusion about variant significance. To our knowledge, no occurrence of c.391G>A in individuals affected with Osteopetrosis and no experimental evidence demonstrating its impact on protein function have been reported. One submitter has cited clinical-significance assessments for this variant to ClinVar after 2014 and has classified the variant as uncertain significance. Based on the evidence outlined above, the variant was classified as uncertain significance.

Counsyl
Classification: Uncertain significance for Autosomal recessive osteopetrosis 1. Last evaluated: 2017-05-23. Review status: no assertion criteria provided. Collection method: clinical testing. Allele origin: unknown. Not counted in ClinVar's aggregate classification.